The following is an entry in ClinVar:

NM_212482.4(FN1):c.6721G>A (p.Val2241Ile)

Gene: FN1 (fibronectin 1; minus strand). Cytogenetic location: 2q35.
Variant type: single nucleotide variant.
Coding change: c.6721G>A on transcript NM_212482.4 (MANE Select); coding-DNA position 6721, G replaced by A.
Protein change: p.Val2241Ile; replaces valine 2241 with isoleucine.
Molecular consequence: missense variant.
Genome position (GRCh38, 1-based): chr2:215,370,426, C>T on the plus strand (G>A on the coding strand, the complement: FN1 is on the minus strand). VCF-style: chr2-215370426-C-T. GRCh37 (hg19) VCF-style: chr2-216235149-C-T.
Other names: c.6628G>A, p.Val2210Ile (NM_001306129.2); c.6091G>A, p.Val2031Ile (NM_001306130.2); c.6085G>A, p.Val2029Ile (NM_001306131.2); c.6010G>A, p.Val2004Ile (NM_001306132.2); c.6451G>A, p.Val2151Ile (NM_001365517.2); c.6448G>A, p.Val2150Ile (NM_001365518.2); c.6376G>A, p.Val2126Ile (NM_001365519.2); c.6373G>A, p.Val2125Ile (NM_001365520.2); and 9 more; short protein forms V1940I, V2004I, V2029I, V2030I, V2031I, V2035I, V2060I, V2094I.
Identifiers: ClinVar variation 3351362 (VCV003351362.5).
Genomic context (GRCh38, chr2:215,370,426, plus strand): 5'-CGTTGTAGGTGGCACCTCTGGTGAGGCCTGTCAGAGTGGCACTGGTAGAAGTTCCAGGAA[C>T]CCTGAACTGCAATTATCGGTACATCCAAAGCAGAGAGAAAGCATTATAGTGAGGAATGAC-3'
Protein context (NP_997647.2, residues 2231-2251): GTDEEPLQFR[Val2241Ile]PGTSTSATLT

ClinVar aggregate classification (germline): Conflicting classifications of pathogenicity. Review status: criteria provided, conflicting classifications (1 of 4 stars). 4 submissions from 4 submitters: Uncertain significance (2); Likely benign (1). 1 of the submissions does not count toward it. Last evaluated 2025-12-15.

Conditions:
Spondylometaphyseal dysplasia - Sutcliffe type. Also called: Sutcliffe type of spondylometaphyseal dysplasia; Sutcliffe SMD; Spondylometaphyseal Dysplasia, Corner Fracture Type; Spondylometaphyseal dysplasia, 'corner fracture' type. Identifiers: Orphanet 93315, MedGen C0432221, MONDO:0008479, OMIM 184255.
Glomerulopathy with fibronectin deposits 2 (GFND2). Identifiers: Orphanet 84090, MedGen C1866075, MONDO:0011165, OMIM 601894.
FN1-related disorder. Also called: FN1-related condition.
Inborn genetic diseases. Identifiers: MedGen C0950123, MeSH D030342.

Submissions (4):

Ambry Genetics
Classification: Uncertain significance for Inborn genetic diseases. Last evaluated: 2025-12-15. Review status: criteria provided, single submitter. Criteria: Ambry Variant Classification Scheme 2023. Collection method: clinical testing. Allele origin: germline.

Labcorp Genetics (formerly Invitae), Labcorp
Classification: Likely benign. Last evaluated: 2025-08-16. Review status: criteria provided, single submitter. Criteria: Invitae Variant Classification Sherloc (09022015). Collection method: clinical testing. Allele origin: germline.

Fulgent Genetics
Classification: Uncertain significance for Spondylometaphyseal dysplasia - Sutcliffe type; Glomerulopathy with fibronectin deposits 2. Last evaluated: 2023-12-21. Review status: criteria provided, single submitter. Criteria: ACMG Guidelines, 2015. Collection method: clinical testing. Allele origin: germline.

PreventionGenetics, part of Exact Sciences
Classification: Uncertain significance for FN1-related condition. Last evaluated: 2024-03-28. Review status: no assertion criteria provided. Collection method: clinical testing. Allele origin: germline. Not counted in ClinVar's aggregate classification.
Comment: The FN1 c.6721G>A variant is predicted to result in the amino acid substitution p.Val2241Ile. To our knowledge, this variant has not been reported in the literature. This variant is reported in 0.0062% of alleles in individuals of African descent in gnomAD. At this time, the clinical significance of this variant is uncertain due to the absence of conclusive functional and genetic evidence.